The following is an entry in ClinVar:

NM_004100.5(EYA4):c.1411G>A (p.Val471Ile)

Genes: EYA4 (EYA transcriptional coactivator and phosphatase 4; plus strand), TARID (TCF21 antisense RNA inducing promoter demethylation; minus strand). Cytogenetic location: 6q23.2.
Variant type: single nucleotide variant.
Coding change: c.1411G>A on transcript NM_004100.5 (MANE Select); coding-DNA position 1411, G replaced by A.
Protein change: p.Val471Ile; replaces valine 471 with isoleucine.
Molecular consequence: missense variant.
Genome position (GRCh38, 1-based): chr6:133,512,948, G>A. VCF-style: chr6-133512948-G-A. GRCh37 (hg19) VCF-style: chr6-133834086-G-A.
Other names: c.1249G>A, p.Val417Ile (NM_001301012.2); c.1429G>A, p.Val477Ile (NM_001301013.2); c.1342G>A, p.Val448Ile (NM_001370458.1, NM_172103.4); c.1267G>A, p.Val423Ile (NM_001370459.1); c.1411G>A, p.Val471Ile (NM_172105.4); short protein forms V417I, V448I, V477I, V423I, V471I.
Identifiers: ClinVar variation 2448320 (VCV002448320.3), dbSNP rs374448950, ClinGen allele CA148073504.

ClinVar aggregate classification (germline): Uncertain significance. Review status: criteria provided, multiple submitters, no conflicts (2 of 4 stars). 2 submissions from 2 submitters: Uncertain significance (2). Last evaluated 2025-06-01.

Conditions:
Cardiovascular phenotype. Identifiers: MedGen CN230736.
Dilated cardiomyopathy 1J (CMD1J). Also called: CARDIOMYOPATHY, DILATED, WITH SENSORINEURAL HEARING LOSS, AUTOSOMAL DOMINANT. Identifiers: Orphanet 217622, MedGen C1854368, MONDO:0011541, OMIM 605362.

Allele frequency attached by ClinVar (database versions not stated): TOPMed below 0.00001; ESP Exome Variant Server 0.00008.

Submissions (2):

Labcorp Genetics (formerly Invitae), Labcorp
Classification: Uncertain significance for Dilated cardiomyopathy 1J. Last evaluated: 2025-06-01. Review status: criteria provided, single submitter. Criteria: Invitae Variant Classification Sherloc (09022015). Collection method: clinical testing. Allele origin: germline.
Comment: This sequence change replaces valine, which is neutral and non-polar, with isoleucine, which is neutral and non-polar, at codon 471 of the EYA4 protein (p.Val471Ile). This variant is not present in population databases (gnomAD no frequency). This variant has not been reported in the literature in individuals affected with EYA4-related conditions. ClinVar contains an entry for this variant (Variation ID: 2448320). Invitae Evidence Modeling of protein sequence and biophysical properties (such as structural, functional, and spatial information, amino acid conservation, physicochemical variation, residue mobility, and thermodynamic stability) indicates that this missense variant is expected to disrupt EYA4 protein function with a positive predictive value of 80%. In summary, the available evidence is currently insufficient to determine the role of this variant in disease. Therefore, it has been classified as a Variant of Uncertain Significance.

Ambry Genetics
Classification: Uncertain significance for Cardiovascular phenotype. Last evaluated: 2022-12-31. Review status: criteria provided, single submitter. Criteria: Ambry Variant Classification Scheme 2023. Collection method: clinical testing. Allele origin: germline.
Comment: The p.V471I variant (also known as c.1411G>A), located in coding exon 15 of the EYA4 gene, results from a G to A substitution at nucleotide position 1411. The valine at codon 471 is replaced by isoleucine, an amino acid with highly similar properties. This amino acid position is conserved. In addition, the in silico prediction for this alteration is inconclusive. Since supporting evidence is limited at this time, the clinical significance of this alteration remains unclear.